The following is an entry in ClinVar:

NM_000368.5(TSC1):c.2335A>G (p.Ile779Val)

Gene: TSC1 (TSC complex subunit 1; minus strand). Cytogenetic location: 9q34.13.
Variant type: single nucleotide variant.
Coding change: c.2335A>G on transcript NM_000368.5 (MANE Select); coding-DNA position 2335, A replaced by G.
Protein change: p.Ile779Val; replaces isoleucine 779 with valine.
Molecular consequence: missense variant.
Genome position (GRCh38, 1-based): chr9:132,902,661, T>C on the plus strand (A>G on the coding strand, the complement: TSC1 is on the minus strand). VCF-style: chr9-132902661-T-C. GRCh37 (hg19) VCF-style: chr9-135778048-T-C.
Other names: c.2332A>G, p.Ile778Val (NM_001162426.2); c.2182A>G, p.Ile728Val (NM_001162427.2); c.1972A>G, p.Ile658Val (NM_001362177.2); short protein forms I658V, I778V, I728V, I779V.
Identifiers: ClinVar variation 835482 (VCV000835482.14), dbSNP rs1845445721, ClinGen allele CA375359446.

ClinVar aggregate classification (germline): Uncertain significance. Review status: criteria provided, multiple submitters, no conflicts (2 of 4 stars). 3 submissions from 3 submitters: Uncertain significance (3). Last evaluated 2025-07-23.

Conditions:
Tuberous sclerosis 1 (TSC1). Identifiers: Orphanet 805, MedGen C1854465, MONDO:0008612, OMIM 191100.
Hereditary cancer-predisposing syndrome. Also called: Neoplastic Syndromes, Hereditary; Hereditary neoplastic syndrome; Tumor predisposition; Hereditary Cancer Syndrome. Identifiers: Orphanet 140162, MedGen C0027672, MeSH D009386, MONDO:0015356.

gnomAD v4.1: 3 of 1,614,192 alleles (0.00019%); highest among the groups gnomAD compares: Non-Finnish European, 0.00025%; no homozygotes.

Submissions (3):

Quest Diagnostics Nichols Institute San Juan Capistrano
Classification: Uncertain significance. Last evaluated: 2025-07-23. Review status: criteria provided, single submitter. Criteria: Quest Diagnostics criteria. Collection method: clinical testing. Allele origin: unknown.

Ambry Genetics
Classification: Uncertain significance for Hereditary cancer-predisposing syndrome. Last evaluated: 2024-12-17. Review status: criteria provided, single submitter. Criteria: Ambry Variant Classification Scheme 2023. Collection method: clinical testing. Allele origin: germline.
Comment: The p.I779V variant (also known as c.2335A>G), located in coding exon 16 of the TSC1 gene, results from an A to G substitution at nucleotide position 2335. The isoleucine at codon 779 is replaced by valine, an amino acid with highly similar properties. This amino acid position is well conserved in available vertebrate species. In addition, this alteration is predicted to be tolerated by in silico analysis. Based on the available evidence, the clinical significance of this variant remains unclear.

Labcorp Genetics (formerly Invitae), Labcorp
Classification: Uncertain significance for Tuberous sclerosis 1. Last evaluated: 2024-03-21. Review status: criteria provided, single submitter. Criteria: Invitae Variant Classification Sherloc (09022015). Collection method: clinical testing. Allele origin: germline.
Comment: This sequence change replaces isoleucine, which is neutral and non-polar, with valine, which is neutral and non-polar, at codon 779 of the TSC1 protein (p.Ile779Val). This variant is not present in population databases (gnomAD no frequency). This variant has not been reported in the literature in individuals affected with TSC1-related conditions. ClinVar contains an entry for this variant (Variation ID: 835482). Advanced modeling of protein sequence and biophysical properties (such as structural, functional, and spatial information, amino acid conservation, physicochemical variation, residue mobility, and thermodynamic stability) performed at Invitae indicates that this missense variant is not expected to disrupt TSC1 protein function with a negative predictive value of 95%. In summary, the available evidence is currently insufficient to determine the role of this variant in disease. Therefore, it has been classified as a Variant of Uncertain Significance.